The following is an entry in ClinVar:

NM_030777.4(SLC2A10):c.610G>A (p.Gly204Ser)

Gene: SLC2A10 (solute carrier family 2 member 10; plus strand). Cytogenetic location: 20q13.12.
Variant type: single nucleotide variant.
Coding change: c.610G>A on transcript NM_030777.4 (MANE Select); coding-DNA position 610, G replaced by A.
Protein change: p.Gly204Ser; replaces glycine 204 with serine.
Molecular consequence: missense variant.
Genome position (GRCh38, 1-based): chr20:46,725,646, G>A. VCF-style: chr20-46725646-G-A. GRCh37 (hg19) VCF-style: chr20-45354285-G-A.
Other names: short protein forms G204S.
Identifiers: ClinVar variation 263561 (VCV000263561.8), dbSNP rs755339268, ClinGen allele CA9892009.
Genomic context (GRCh38, chr20:46,725,646, plus strand): 5'-TTCCTCCCTGCTGGTACAGATGAGACTGCAACACACAAGGACCTCATCCCACTCCAGGGA[G>A]GTGAGGCCCCCAAGCTGGGCCCGGGGAGGCCACGGTACTCCTTTCTGGACCTCTTCAGGG-3'
Protein context (NP_110404.1, residues 194-214): THKDLIPLQG[Gly204Ser]EAPKLGPGRP

ClinVar aggregate classification (germline): Conflicting classifications of pathogenicity. Review status: criteria provided, conflicting classifications (1 of 4 stars). 4 submissions from 4 submitters: Uncertain significance (3); Likely benign (1). Last evaluated 2025-06-10.

Conditions:
SLC2A10-related disorder. Also called: SLC2A10-related condition.
Cardiovascular phenotype. Identifiers: MedGen CN230736.
Arterial tortuosity syndrome (ATORS). Identifiers: Orphanet 3342, MedGen C1859726, MONDO:0008818, OMIM 208050.

Allele frequency attached by ClinVar (database versions not stated): TOPMed 0.00001; gnomAD exomes 0.00004 and 0.00008; ExAC 0.00005; gnomAD 0.00005 and 0.00006.
gnomAD v4.1: 62 of 1,613,978 alleles (0.0038%); highest among the groups gnomAD compares: Non-Finnish European, 0.0011%; no homozygotes.

Submissions (4):

PreventionGenetics, part of Exact Sciences
Classification: Uncertain significance for SLC2A10-related condition. Last evaluated: 2025-06-10. Review status: criteria provided, single submitter. Criteria: ACMG Guidelines, 2015. Collection method: clinical testing. Allele origin: germline.
Comment: The SLC2A10 c.610G>A variant is predicted to result in the amino acid substitution p.Gly204Ser. To our knowledge, this variant has not been reported in the literature. This variant is reported in 0.084% of alleles in individuals of European (Finnish) descent in gnomAD. Although we suspect that this variant may be benign, at this time, the clinical significance of this variant is uncertain due to the absence of conclusive functional and genetic evidence.

Labcorp Genetics (formerly Invitae), Labcorp
Classification: Likely benign for Arterial tortuosity syndrome. Last evaluated: 2023-12-10. Review status: criteria provided, single submitter. Criteria: Invitae Variant Classification Sherloc (09022015). Collection method: clinical testing. Allele origin: germline.

Blueprint Genetics
Classification: Uncertain significance. Last evaluated: 2023-05-16. Review status: criteria provided, single submitter. Criteria: ACMG Guidelines, 2015. Collection method: clinical testing. Allele origin: germline.

Ambry Genetics
Classification: Uncertain significance for Cardiovascular phenotype. Last evaluated: 2013-02-28. Review status: criteria provided, single submitter. Criteria: Ambry Autosomal Dominant and X-Linked criteria (10/2015). Collection method: clinical testing. Allele origin: germline. Observed: 1 variant allele.
Comment: There is insufficient or conflicting evidence for classification of this alteration.